The following is an entry in ClinVar:

NM_013432.5(TONSL):c.2515G>A (p.Asp839Asn)

Genes: TONSL-AS1 (TONSL antisense RNA 1; plus strand), TONSL (tonsoku like, DNA repair protein; minus strand). Cytogenetic location: 8q24.3.
Variant type: single nucleotide variant.
Coding change: c.2515G>A on transcript NM_013432.5 (MANE Select); coding-DNA position 2515, G replaced by A.
Protein change: p.Asp839Asn; replaces aspartic acid 839 with asparagine.
Molecular consequence: missense variant.
Genome position (GRCh38, 1-based): chr8:144,435,918, C>T on the plus strand (G>A on the coding strand, the complement: TONSL is on the minus strand). VCF-style: chr8-144435918-C-T. GRCh37 (hg19) VCF-style: chr8-145661301-C-T.
Other names: short protein forms D839N.
Identifiers: ClinVar variation 1415546 (VCV001415546.6), dbSNP rs767415215, ClinGen allele CA372654701.
Genomic context (GRCh38, chr8:144,435,918, plus strand): 5'-GCCTGCGGTTGTCTCCAGTGCCCCGGGGGCGGGGCCGGCGGCTGCGGGTCAGGGGCATGT[C>T]CAGCTCCAGCCAGTCCCCGGCCAGGCACTCCTCCTCCGGGATGAGCGCTGCCTGGGGGGC-3'
Protein context (NP_038460.4, residues 829-849): ECLAGDWLEL[Asp839Asn]MPLTRSRRPR

ClinVar aggregate classification (germline): Uncertain significance (1 of 4 stars; one submission).

Allele frequency attached by ClinVar (database versions not stated): gnomAD exomes 0.00001; gnomAD 0.00002.
gnomAD v4.1: 10 of 1,579,264 alleles (0.00063%); highest among the groups gnomAD compares: African/African-American, 0.0013%; no homozygotes.

Submission:

Labcorp Genetics (formerly Invitae), Labcorp
Classification: Uncertain significance. Last evaluated: 2023-05-20. Review status: criteria provided, single submitter. Criteria: Invitae Variant Classification Sherloc (09022015). Collection method: clinical testing. Allele origin: germline.
Comment: In summary, the available evidence is currently insufficient to determine the role of this variant in disease. Therefore, it has been classified as a Variant of Uncertain Significance. Advanced modeling of protein sequence and biophysical properties (such as structural, functional, and spatial information, amino acid conservation, physicochemical variation, residue mobility, and thermodynamic stability) performed at Invitae indicates that this missense variant is expected to disrupt TONSL protein function. ClinVar contains an entry for this variant (Variation ID: 1415546). This variant has not been reported in the literature in individuals affected with TONSL-related conditions. This variant is present in population databases (no rsID available, gnomAD 0.0009%). This sequence change replaces aspartic acid, which is acidic and polar, with asparagine, which is neutral and polar, at codon 839 of the TONSL protein (p.Asp839Asn).